The following is an entry in ClinVar:

ClinVar aggregate classification (germline): Uncertain significance (1 of 4 stars; one submission).

Conditions:
Cardiomyopathy (CMYO). Also called: Cardiomyopathies. Identifiers: Orphanet 167848, MedGen C0878544, MONDO:0004994, HP:0001638. Inheritance: Various modes of inheritance.

Submission:

Color Diagnostics, LLC DBA Color Health
Classification: Uncertain significance for Cardiomyopathy. Last evaluated: 2024-03-07. Review status: criteria provided, single submitter. Criteria: ACMG Guidelines, 2015. Collection method: clinical testing. Allele origin: germline.
Comment: This missense variant replaces glycine with valine at codon 310 of the TMEM43 protein. Computational prediction suggests that this variant may not impact protein structure and function (internally defined REVEL score threshold <= 0.5, PMID: 27666373). To our knowledge, functional studies have not been reported for this variant. This variant has not been reported in individuals affected with cardiovascular disorders in the literature. This variant has not been identified in the general population by the Genome Aggregation Database (gnomAD). The available evidence is insufficient to determine the role of this variant in disease conclusively. Therefore, this variant is classified as a Variant of Uncertain Significance.

NM_024334.3(TMEM43):c.929G>T (p.Gly310Val)

Gene: TMEM43 (transmembrane protein 43; plus strand). Cytogenetic location: 3p25.1.
Variant type: single nucleotide variant.
Coding change: c.929G>T on transcript NM_024334.3 (MANE Select); coding-DNA position 929, G replaced by T.
Protein change: p.Gly310Val; replaces glycine 310 with valine.
Molecular consequence: missense variant.
Genome position (GRCh38, 1-based): chr3:14,139,226, G>T. VCF-style: chr3-14139226-G-T. GRCh37 (hg19) VCF-style: chr3-14180726-G-T.
Other names: short protein forms G310V.
Identifiers: ClinVar variation 1172049 (VCV001172049.3), dbSNP rs2124995252, ClinGen allele CA351536182.
Genomic context (GRCh38, chr3:14,139,226, plus strand): 5'-ACCTTGTCCTGCAGGAGGTGTTTCATAGAGAACTAAGGAGCAACTCCATGAAGACCTGGG[G>T]CCTGCGGGCAGCTGGCTGGATGGCCATGTTCATGGGCCTCAACCTTATGACACGGATCCT-3'
Protein context (NP_077310.1, residues 300-320): ELRSNSMKTW[Gly310Val]LRAAGWMAMF